The following is an entry in ClinVar:

ClinVar aggregate classification (germline): Uncertain significance (1 of 4 stars; one submission).

gnomAD v4.1: 1 of 1,613,860 alleles (0.000062%); highest among the groups gnomAD compares: Non-Finnish European, 0.000085%; no homozygotes.

Submission:

GeneDx
Classification: Uncertain significance. Last evaluated: 2024-12-05. Review status: criteria provided, single submitter. Criteria: GeneDx Variant Classification Process June 2021. Collection method: clinical testing. Allele origin: germline. Affected: yes.
Comment: Not observed at significant frequency in large population cohorts (gnomAD); Missense variant in a gene in which most reported pathogenic variants are truncating/loss of function; Has not been previously published as pathogenic or benign to our knowledge; This variant is associated with the following publications: (PMID: 23975875)

NM_001267550.2(TTN):c.93901G>T (p.Val31301Phe)

Genes: TTN (titin; minus strand), TTN-AS1 (TTN antisense RNA 1; plus strand). Cytogenetic location: 2q31.2.
Variant type: single nucleotide variant.
Coding change: c.93901G>T on transcript NM_001267550.2 (MANE Select); coding-DNA position 93901, G replaced by T.
Protein change: p.Val31301Phe; replaces valine 31301 with phenylalanine.
Molecular consequence: missense variant.
Genome position (GRCh38, 1-based): chr2:178,547,725, C>A on the plus strand (G>T on the coding strand, the complement: TTN is on the minus strand). VCF-style: chr2-178547725-C-A. GRCh37 (hg19) VCF-style: chr2-179412452-C-A.
Other names: c.88978G>T, p.Val29660Phe (NM_001256850.1); c.66706G>T, p.Val22236Phe (NM_003319.4); c.86197G>T, p.Val28733Phe (NM_133378.4); c.67081G>T, p.Val22361Phe (NM_133432.3); c.67282G>T, p.Val22428Phe (NM_133437.4); short protein forms V22236F, V22361F, V22428F, V28733F, V29660F, V31301F.
Identifiers: ClinVar variation 3901327 (VCV003901327.1).
Genomic context (GRCh38, chr2:178,547,725, plus strand): 5'-CAGATGAGACCTCAATGGGGCCGGTTACTGGACCTGGCCTTCCAATGACCACAACTGTGA[C>A]GCTAAATGTTTTAACACCAGCTGTATTTTCCAGGGTCAAGAAGTATCTTCCAGAGTCACC-3'
Protein context (NP_001254479.2, residues 31291-31311): ENTAGVKTFS[Val31301Phe]TVVVIGRPGP